The following is an entry in ClinVar:

NM_001042517.2(DIAPH3):c.1361+16_1361+31del

Gene: DIAPH3 (diaphanous related formin 3; minus strand). Cytogenetic location: 13q21.2.
Variant type: Deletion.
Coding change: c.1361+16_1361+31del on transcript NM_001042517.2 (MANE Select); bases 16 to 31 of the intron after coding-DNA position 1361, 16 bases deleted (ATTCTAATGTTTTCTT).
Molecular consequence: intron variant.
Genome position (GRCh38, 1-based): chr13:59,991,127-59,991,142, AAGAAAACATTAGAAT deleted on the plus strand (ATTCTAATGTTTTCTT on the coding strand, the reverse complement: DIAPH3 is on the minus strand); deleting any 16 consecutive bases within chr13:59,991,127-59,991,143 gives the same sequence; the c. name uses the placement nearest the transcript's 3' end. VCF-style (leftmost placement, unchanged base first): chr13-59991126-AAAGAAAACATTAGAAT-A. GRCh37 (hg19) VCF-style: chr13-60565260-AAAGAAAACATTAGAAT-A.
Other names: c.1151+16_1151+31del (NM_001258368.2); c.1223+16_1223+31del (NM_001258367.2); c.1328+16_1328+31del (NM_001258366.2); c.1361+16_1361+31del (NM_001258369.2); c.572+16_572+31del (NM_030932.4, NM_001258370.2).
Identifiers: ClinVar variation 4704890 (VCV004704890.1).

ClinVar aggregate classification (germline): Uncertain significance (1 of 4 stars; one submission).

Submission:

Labcorp Genetics (formerly Invitae), Labcorp
Classification: Uncertain significance. Last evaluated: 2025-02-16. Review status: criteria provided, single submitter. Criteria: Invitae Variant Classification Sherloc (09022015). Collection method: clinical testing. Allele origin: germline.
Comment: This sequence change falls in intron 12 of the DIAPH3 gene. It does not directly change the encoded amino acid sequence of the DIAPH3 protein. This variant is present in population databases (no rsID available, gnomAD 0.003%). This variant has not been reported in the literature in individuals affected with DIAPH3-related conditions. Experimental studies and prediction algorithms are not available or were not evaluated, and the effect of this variant on mRNA splicing is currently unknown. In summary, the available evidence is currently insufficient to determine the role of this variant in disease. Therefore, it has been classified as a Variant of Uncertain Significance.